The following is an entry in ClinVar:

ClinVar aggregate classification (germline): Uncertain significance (1 of 4 stars; one submission).

Allele frequency attached by ClinVar (database versions not stated): gnomAD exomes below 0.00001; gnomAD 0.00001; TOPMed 0.00001.
gnomAD v4.1: 8 of 1,613,550 alleles (0.0005%); highest among the groups gnomAD compares: Non-Finnish European, 0.00051%; no homozygotes.

Submission:

Labcorp Genetics (formerly Invitae), Labcorp
Classification: Uncertain significance. Last evaluated: 2023-08-09. Review status: criteria provided, single submitter. Criteria: Invitae Variant Classification Sherloc (09022015). Collection method: clinical testing. Allele origin: germline.
Comment: This sequence change replaces isoleucine, which is neutral and non-polar, with threonine, which is neutral and polar, at codon 1220 of the CARMIL2 protein (p.Ile1220Thr). This variant is not present in population databases (gnomAD no frequency). This variant has not been reported in the literature in individuals affected with CARMIL2-related conditions. An algorithm developed to predict the effect of missense changes on protein structure and function (PolyPhen-2) suggests that this variant is likely to be disruptive. In summary, the available evidence is currently insufficient to determine the role of this variant in disease. Therefore, it has been classified as a Variant of Uncertain Significance.

NM_001013838.3(CARMIL2):c.3659T>C (p.Ile1220Thr)

Gene: CARMIL2 (capping protein regulator and myosin 1 linker 2; plus strand). Cytogenetic location: 16q22.1.
Variant type: single nucleotide variant.
Coding change: c.3659T>C on transcript NM_001013838.3 (MANE Select); coding-DNA position 3659, T replaced by C.
Protein change: p.Ile1220Thr; replaces isoleucine 1220 with threonine.
Molecular consequence: missense variant.
Genome position (GRCh38, 1-based): chr16:67,654,854, T>C. VCF-style: chr16-67654854-T-C. GRCh37 (hg19) VCF-style: chr16-67688757-T-C.
Other names: c.3551T>C, p.Ile1184Thr (NM_001317026.3); short protein forms I1184T, I1220T.
Identifiers: ClinVar variation 3006471 (VCV003006471.3), dbSNP rs1343698466, ClinGen allele CA396345899.